The following is an entry in ClinVar:

ClinVar aggregate classification (germline): Likely benign. Review status: criteria provided, multiple submitters, no conflicts (2 of 4 stars). 3 submissions from 3 submitters: Likely benign (3). Last evaluated 2026-09-21.

Conditions:
XYLT1-related disorder. Also called: XYLT1-related condition.
Desbuquois dysplasia 1 (DBQD1). Also called: MICROMELIC DWARFISM WITH VERTEBRAL AND METAPHYSEAL ABNORMALITIES AND ADVANCED CARPOTARSAL OSSIFICATION; DESBUQUOIS DYSPLASIA 1, KIM VARIANT. Identifiers: Orphanet 1425, MedGen C4012146, MONDO:0009629, OMIM 251450.

Allele frequency attached by ClinVar (database versions not stated): gnomAD exomes 0.00005; ExAC 0.00015; 1000 Genomes Project 0.00020; 1000 Genomes Project 30x 0.00047; gnomAD 0.00080 and 0.00083; TOPMed 0.00083.
gnomAD v4.1: 178 of 1,124,994 alleles (0.016%); highest among the groups gnomAD compares: African/African-American, 0.28%; no homozygotes.

Submissions (3):

PreventionGenetics, part of Exact Sciences
Classification: Likely benign for XYLT1-related condition. Last evaluated: 2026-09-21. Review status: criteria provided, single submitter. Criteria: ACMG Guidelines, 2015. Collection method: clinical testing. Allele origin: germline.
Comment: This variant is classified as likely benign based on ACMG/AMP sequence variant interpretation guidelines (Richards et al. 2015 PMID: 25741868, with internal and published modifications).

Labcorp Genetics (formerly Invitae), Labcorp
Classification: Likely benign for Desbuquois dysplasia 1. Last evaluated: 2025-07-22. Review status: criteria provided, single submitter. Criteria: Invitae Variant Classification Sherloc (09022015). Collection method: clinical testing. Allele origin: germline.

Blueprint Genetics
Classification: Likely benign. Last evaluated: 2024-02-15. Review status: criteria provided, single submitter. Criteria: ACMG Guidelines, 2015. Collection method: clinical testing. Allele origin: germline.

NM_022166.4(XYLT1):c.57C>T (p.Leu19=)

Gene: XYLT1 (xylosyltransferase 1; minus strand). Cytogenetic location: 16p12.3.
Variant type: single nucleotide variant.
Coding change: c.57C>T on transcript NM_022166.4 (MANE Select); coding-DNA position 57, C replaced by T.
Protein change: p.Leu19=; no amino-acid change (leucine 19 retained).
Molecular consequence: synonymous variant.
Genome position (GRCh38, 1-based): chr16:17,470,740, G>A on the plus strand (C>T on the coding strand, the complement: XYLT1 is on the minus strand). VCF-style: chr16-17470740-G-A. GRCh37 (hg19) VCF-style: chr16-17564597-G-A.
Other names: c.57C>T (NM_022166.3).
Identifiers: ClinVar variation 1155605 (VCV001155605.11), dbSNP rs539729561, ClinGen allele CA7928295.